The following is an entry in ClinVar:

ClinVar aggregate classification (germline): Conflicting classifications of pathogenicity. Review status: criteria provided, conflicting classifications (1 of 4 stars). 5 submissions from 5 submitters: Uncertain significance (3); Likely benign (1). 1 of the submissions does not count toward it. Last evaluated 2025-10-02.

Conditions:
Autosomal recessive limb-girdle muscular dystrophy. Identifiers: Orphanet 102015, MedGen C2931907, MONDO:0015152.
Neuromuscular disease caused by qualitative or quantitative defects of dysferlin. Also called: Qualitative or quantitative defects of dysferlin; Dysferlinopathy. Identifiers: Orphanet 207073, MedGen C2931687, MONDO:0016145.
Autosomal recessive limb-girdle muscular dystrophy type 2B (LGMDR2). Also called: MUSCULAR DYSTROPHY, LIMB-GIRDLE, AUTOSOMAL RECESSIVE 2; Limb-Girdle Muscular Dystrophy Type 2B (LGMD2B); MUSCULAR DYSTROPHY, LIMB-GIRDLE, TYPE 3; Limb-girdle muscular dystrophy, type 2B. Identifiers: Orphanet 268, MedGen C1850889, MONDO:0009676, OMIM 253601.
Inborn genetic diseases. Identifiers: MedGen C0950123, MeSH D030342.

Allele frequency attached by ClinVar (database versions not stated): ExAC 0.00003; gnomAD exomes 0.00004 and 0.00006; gnomAD 0.00013 and 0.00012; ESP Exome Variant Server 0.00015; TOPMed 0.00012.
gnomAD v4.1: 74 of 1,612,536 alleles (0.0046%); highest among the groups gnomAD compares: African/African-American, 0.048%; no homozygotes.

Submissions (5):

Myriad Genetics, Inc.
Classification: Uncertain significance for Autosomal recessive limb-girdle muscular dystrophy. Last evaluated: 2025-10-02. Review status: criteria provided, single submitter. Criteria: Myriad Autosomal Dominant, Autosomal Recessive and X-Linked Classification Criteria (2023). Collection method: clinical testing. Allele origin: unknown.
Comment: NM_003494.3(DYSF):c.1508C>T(S503L) is a missense variant classified as a variant of uncertain significance in the context of dysferlinopathy. S503L has not been observed in cases with relevant disease. Relevant functional assessments of this variant are not available in the literature. S503L has been observed in referenced population frequency databases. In summary, there is insufficient evidence to classify NM_003494.3(DYSF):c.1508C>T(S503L) as pathogenic or benign. Please note: this variant was assessed in the context of healthy population screening.

Labcorp Genetics (formerly Invitae), Labcorp
Classification: Likely benign for Neuromuscular disease caused by qualitative or quantitative defects of dysferlin. Last evaluated: 2025-05-16. Review status: criteria provided, single submitter. Criteria: Invitae Variant Classification Sherloc (09022015). Collection method: clinical testing. Allele origin: germline.

Ambry Genetics
Classification: Uncertain significance for Inborn genetic diseases. Last evaluated: 2021-10-26. Review status: criteria provided, single submitter. Criteria: Ambry Variant Classification Scheme 2023. Collection method: clinical testing. Allele origin: germline.

Athena Diagnostics
Classification: Uncertain significance. Last evaluated: 2018-05-25. Review status: criteria provided, single submitter. Criteria: Athena Diagnostics Criteria. Collection method: clinical testing. Allele origin: germline.

Natera, Inc.
Classification: Uncertain significance for Limb-girdle muscular dystrophy type 2B. Last evaluated: 2020-03-10. Review status: no assertion criteria provided. Collection method: clinical testing. Allele origin: germline. Not counted in ClinVar's aggregate classification.

NM_003494.4(DYSF):c.1508C>T (p.Ser503Leu)

Gene: DYSF (dysferlin; plus strand). Cytogenetic location: 2p13.2.
Variant type: single nucleotide variant.
Coding change: c.1508C>T on transcript NM_003494.4 (MANE Plus Clinical); coding-DNA position 1508, C replaced by T.
Protein change: p.Ser503Leu; replaces serine 503 with leucine.
Molecular consequence: missense variant. On other transcripts: intron variant (8).
Genome position (GRCh38, 1-based): chr2:71,549,377, C>T. VCF-style: chr2-71549377-C-T. GRCh37 (hg19) VCF-style: chr2-71776507-C-T.
Other names: c.1511C>T, p.Ser504Leu (NM_001130455.2, NM_001130983.2); c.1508C>T, p.Ser503Leu (NM_001130978.2); c.1601C>T, p.Ser534Leu (NM_001130979.2); c.1604C>T, p.Ser535Leu (NM_001130982.2); c.1574-1664C>T (NM_001130981.2, NM_001130980.2); c.1481-1664C>T (NM_001130977.2, NM_001130976.2); c.1577-1664C>T (NM_001130987.2, NM_001130985.2); c.1484-1664C>T (NM_001130984.2, NM_001130986.2); short protein forms S503L, S535L, S534L, S504L.
Identifiers: ClinVar variation 582717 (VCV000582717.16), dbSNP rs144931729, ClinGen allele CA1705842.
Genomic context (GRCh38, chr2:71,549,377, plus strand): 5'-CCCTAACCCCTTTTCCATTTCTTTACGCTTCAGAGGAGCCTGCAGGTGCTGTCAAGCCTT[C>T]GAAAGCCTCAGACTGTACGTTGCTGTCACCTTGGGGACAACCAGGGGAGTGGGGCCTTGG-3'
Protein context (NP_003485.1, residues 493-513): EEEPAGAVKP[Ser503Leu]KASDLDDYLG